The following is an entry in ClinVar:

NM_001349206.2(LPIN1):c.1292A>G (p.Asp431Gly)

Gene: LPIN1 (lipin 1; plus strand). Cytogenetic location: 2p25.1.
Variant type: single nucleotide variant.
Coding change: c.1292A>G on transcript NM_001349206.2 (MANE Select); coding-DNA position 1292, A replaced by G.
Protein change: p.Asp431Gly; replaces aspartic acid 431 with glycine.
Molecular consequence: missense variant. On other transcripts: non-coding transcript variant (1).
Genome position (GRCh38, 1-based): chr2:11,783,856, A>G. VCF-style: chr2-11783856-A-G. GRCh37 (hg19) VCF-style: chr2-11923982-A-G.
Other names: c.1202A>G, p.Asp401Gly (NM_001261427.3); c.1439A>G, p.Asp480Gly (NM_001261428.3); c.1184A>G, p.Asp395Gly (NM_001349199.2, NM_001349200.2, NM_001349201.2 and 1 more transcripts); c.1289A>G, p.Asp430Gly (NM_001349202.2, NM_001349203.2); c.1292A>G, p.Asp431Gly (NM_001349204.2, NM_001349205.2); c.1382A>G, p.Asp461Gly (NM_001349207.2); c.1331A>G, p.Asp444Gly (NM_001349208.2); short protein forms D395G, D401G, D430G, D431G, D444G, D461G, D480G.
Identifiers: ClinVar variation 1311903 (VCV001311903.2), dbSNP rs2148658819, ClinGen allele CA345857093.

ClinVar aggregate classification (germline): Uncertain significance (1 of 4 stars; one submission).

gnomAD v4.1: 10 of 1,614,134 alleles (0.00062%); highest among the groups gnomAD compares: Non-Finnish European, 0.00085%; no homozygotes.

Submission:

GeneDx
Classification: Uncertain significance. Last evaluated: 2020-01-16. Review status: criteria provided, single submitter. Criteria: GeneDx Variant Classification Process June 2021. Collection method: clinical testing. Allele origin: germline. Affected: yes.
Comment: Not observed in large population cohorts (Lek et al., 2016); In silico analysis, which includes protein predictors and evolutionary conservation, supports a deleterious effect; Has not been previously published as pathogenic or benign to our knowledge